The following is an entry in ClinVar:

NM_006218.4(PIK3CA):c.344G>T (p.Arg115Leu)

Gene: PIK3CA (phosphatidylinositol-4,5-bisphosphate 3-kinase catalytic subunit alpha; plus strand). Cytogenetic location: 3q26.32.
Variant type: single nucleotide variant.
Coding change: c.344G>T on transcript NM_006218.4 (MANE Select); coding-DNA position 344, G replaced by T.
Protein change: p.Arg115Leu; replaces arginine 115 with leucine.
Molecular consequence: missense variant.
Genome position (GRCh38, 1-based): chr3:179,199,169, G>T. VCF-style: chr3-179199169-G-T. GRCh37 (hg19) VCF-style: chr3-178916957-G-T.
Other names: short protein forms R115L.
Identifiers: ClinVar variation 1703510 (VCV001703510.7), dbSNP rs200018596, ClinGen allele CA88556623.

ClinVar aggregate classification (germline): Conflicting classifications of pathogenicity. Review status: criteria provided, conflicting classifications (1 of 4 stars). 3 submissions from 3 submitters: Pathogenic (1); Likely pathogenic (1); Uncertain significance (1). Last evaluated 2023-10-18.

Conditions:
PIK3CA related overgrowth syndrome. Also called: PIK3CA related overgrowth spectrum; PIK3CA-Related Segmental Overgrowth. Identifiers: Orphanet 530313, MedGen C4728213, MONDO:1040002.
Cowden syndrome (CS). Also called: Cowden's disease; Cowden's syndrome; Cowden disease. Identifiers: Orphanet 201, MedGen C0018553, MONDO:0016063. Disease mechanism: gain of function.

Submissions (3):

Clinical Genomics Laboratory, Washington University in St. Louis
Classification: Likely pathogenic for PIK3CA-related overgrowth syndrome. Last evaluated: 2023-10-18. Review status: criteria provided, single submitter. Criteria: ACMG Guidelines, 2015. Collection method: clinical testing. Allele origin: somatic. Affected: yes.
Comment: The PIK3CA c.344G>T (p.Arg115Leu) variant was identified at an allelic fraction consistent with somatic origin. This variant has been reported in twelve cases in the cancer database COSMIC (COSMIC ID: COSV55890007) and is absent from the general population (gnomAD v.3.1.2), indicating it is not a common variant. Functional studies show that the c.344G>T (p.Arg115Leu) variant confers a gain of function to the Pik3ca protein as demonstrated by increased cell growth, activation of the PI3K pathway (Lui VW et al., PMID: 23619167) and increased transformation ability in two different cell lines, as compared to wild-type Pik3ca (Ng PK et al., PMID: 29533785). Another variant in the same codon, (p.Arg115Pro), has been reported in an individual with macrodactyly and was considered pathogenic (Rios JJ et al., PMID: 23100325). The PIK3CA gene is defined by the ClinGen Brain Malformations expert panel as a gene that has a low rate of benign missense variation and where pathogenic missense variants are a common mechanism of disease (Lai A et al. PMID: 35997716). Based on an internally developed protocol informed by the ACMG/AMP guidelines (Richards S et al., PMID: 25741868) and gene-specific practices from the ClinGen Criteria Specification Registry, the PIK3CA c.344G>T (p.Arg115Leu) variant is classified as likely pathogenic.

Labcorp Genetics (formerly Invitae), Labcorp
Classification: Uncertain significance for Cowden syndrome. Last evaluated: 2022-07-29. Review status: criteria provided, single submitter. Criteria: Invitae Variant Classification Sherloc (09022015). Collection method: clinical testing. Allele origin: germline.
Comment: In summary, the available evidence is currently insufficient to determine the role of this variant in disease. Therefore, it has been classified as a Variant of Uncertain Significance. This variant disrupts the p.Arg115 amino acid residue in PIK3CA. Other variant(s) that disrupt this residue have been observed in individuals with PIK3CA-related conditions (PMID: 23754335), which suggests that this may be a clinically significant amino acid residue. Algorithms developed to predict the effect of missense changes on protein structure and function (SIFT, PolyPhen-2, Align-GVGD) all suggest that this variant is likely to be tolerated. This missense change has been observed in individual(s) with macrodactyly (PMID: 23100325). This variant is not present in population databases (gnomAD no frequency). This sequence change replaces arginine, which is basic and polar, with leucine, which is neutral and non-polar, at codon 115 of the PIK3CA protein (p.Arg115Leu).

Laboratoire de Génétique Moléculaire, CHU Bordeaux
Classification: Pathogenic. Review status: criteria provided, single submitter. Criteria: ACMG Guidelines, 2015. Collection method: clinical testing. Allele origin: germline. Affected: yes.

Literature cited by the submitters: PubMed 23754335 (cited by Labcorp Genetics (formerly Invitae), Labcorp); PubMed 23100325 (cited by Labcorp Genetics (formerly Invitae), Labcorp).